The following is an entry in ClinVar:

NM_000038.6(APC):c.1744-2182G>A

Gene: APC (APC regulator of WNT signaling pathway; plus strand). Cytogenetic location: 5q22.2.
Variant type: single nucleotide variant.
Coding change: c.1744-2182G>A on transcript NM_000038.6 (MANE Select); 2182 bases into the intron before coding-DNA position 1744, G replaced by A.
Molecular consequence: intron variant.
Genome position (GRCh38, 1-based): chr5:112,832,769, G>A. VCF-style: chr5-112832769-G-A. GRCh37 (hg19) VCF-style: chr5-112168466-G-A.
Other names: c.1744-2182G>A (NM_001354895.2, NM_001127510.3); c.1774-2182G>A (NM_001354897.2); c.1471-2182G>A (NM_001354902.2); c.1690-2182G>A (NM_001127511.3); c.1669-2182G>A (NM_001354898.2); c.1366-2182G>A (NM_001354904.2); c.895-2182G>A (NM_001354906.2); c.1798-2182G>A (NM_001354896.2); and 5 more.
Identifiers: ClinVar variation 83189 (VCV000083189.2), dbSNP rs78377209, ClinGen allele CA005831.

ClinVar aggregate classification (germline): other (0 of 4 stars; one submission).

Conditions:
Familial colorectal cancer. Identifiers: MedGen CN280943, MONDO:0023113. Disease mechanism: loss of function.

Submission:

Systems Biology Platform Zhejiang California International NanoSystems Institute
Classification: other for Familial colorectal cancer. Review status: no assertion criteria provided. Collection method: not provided. Allele origin: unknown.
ClinVar note: Converted during submission from cancer to other.